The following is an entry in ClinVar:

NC_000005.9:g.(?_13931209)_(13931363_?)del

Gene: DNAH5 (dynein axonemal heavy chain 5; minus strand). Cytogenetic location: 5p15.2.
Variant type: Deletion.
Identifiers: ClinVar variation 1069482 (VCV001069482.1).

ClinVar aggregate classification (germline): Pathogenic (1 of 4 stars; one submission).

Conditions:
Primary ciliary dyskinesia. Also called: Ciliary dyskinesia. Identifiers: Orphanet 244, MedGen C0008780, MONDO:0016575, HP:0012265.

Submission:

Labcorp Genetics (formerly Invitae), Labcorp
Classification: Pathogenic for Primary ciliary dyskinesia. Last evaluated: 2020-06-23. Review status: criteria provided, single submitter. Criteria: Invitae Variant Classification Sherloc (09022015). Collection method: clinical testing. Allele origin: germline.
Comment: This variant is an in-frame deletion of the genomic region encompassing exon(s) 2 of the DNAH5 gene. It preserves the integrity of the reading frame. Similar deletions of exon 2 have been observed in individual(s) with primary ciliary dyskinesia (PMID: 26139845). It has also been observed to segregate with disease in related individuals. For these reasons, this variant has been classified as Pathogenic.

Literature cited by the submitters: PubMed 26139845.